The following is an entry in ClinVar:

ClinVar aggregate classification (germline): Pathogenic. Review status: reviewed by expert panel (3 of 4 stars). 2 submissions from 2 submitters: Pathogenic (1). 1 of the submissions does not count toward it. Last evaluated 2016-10-18.

Conditions:
Breast-ovarian cancer, familial, susceptibility to, 1 (BROVCA1). Also called: BRCA1 Hereditary Breast and Ovarian Cancer; OVARIAN CANCER, SUSCEPTIBILITY TO. Identifiers: Orphanet 145, MedGen C2676676, MONDO:0011450, OMIM 604370. Disease mechanism: loss of function.

Submissions (2):

Evidence-based Network for the Interpretation of Germline Mutant Alleles (ENIGMA)
Classification: Pathogenic for Breast-ovarian cancer, familial, susceptibility to, 1. Last evaluated: 2016-10-18. Review status: reviewed by expert panel. Criteria: ENIGMA BRCA1/2 Classification Criteria (2015). Collection method: curation. Allele origin: germline.
Comment: Variant allele predicted to encode a truncated non-functional protein.

Consortium of Investigators of Modifiers of BRCA1/2 (CIMBA), c/o University of Cambridge
Classification: Pathogenic for Breast-ovarian cancer, familial, susceptibility to, 1. Last evaluated: 2015-10-02. Review status: criteria provided, single submitter. Criteria: CIMBA Mutation Classification guidelines May 2016. Collection method: clinical testing. Allele origin: germline. Not counted in ClinVar's aggregate classification.

NM_007294.4(BRCA1):c.3844del (p.Glu1282fs)

Genes: BRCA1 (BRCA1 DNA repair associated; minus strand), LOC126862571 (BRD4-independent group 4 enhancer GRCh37_chr17:41243136-41244335; plus strand). Cytogenetic location: 17q21.31.
Variant type: Deletion.
Coding change: c.3844del on transcript NM_007294.4 (MANE Select); coding-DNA position 3844, one base deleted (G; older notation c.3844delG).
Protein change: p.Glu1282fs; shifts the reading frame from glutamic acid 1282.
Molecular consequence: frameshift variant. On other transcripts: intron variant (135).
Genome position (GRCh38, 1-based): chr17:43,091,687, C deleted on the plus strand (G on the coding strand, the reverse complement: BRCA1 is on the minus strand); the first of 2 consecutive C bases (chr17:43,091,687-43,091,688); deleting either gives the same sequence. VCF-style (leftmost placement, unchanged base first): chr17-43091686-TC-T. GRCh37 (hg19) VCF-style: chr17-41243703-TC-T.
Other names: 3963delG-ter1306; c.785-655del (NM_001408473.1, NM_001408399.1, NM_001407984.1 and 13 more transcripts); c.665-655del (NM_001408443.1, NM_001408439.1, NM_001408425.1 and 12 more transcripts); c.671-655del (NM_001408419.1, NM_001408422.1, NM_001408418.1 and 2 more transcripts); c.788-655del (NM_001408403.1, NM_001407983.1, NM_001407975.1 and 17 more transcripts); c.791-664del (NM_001408406.1); c.647-655del (NM_001408456.1, NM_001408410.1, NM_001408458.1 and 11 more transcripts); c.644-655del (NM_001408465.1, NM_001408463.1, NM_001408462.1 and 3 more transcripts); and 43 more; short protein forms E1235fs, E1282fs, E1114fs, E1211fs, E1256fs, E1154fs, E1214fs, E1255fs.
Identifiers: ClinVar variation 55026 (VCV000055026.7), dbSNP rs397509113, ClinGen allele CA002477.